The following is an entry in ClinVar:

NM_020975.6(RET):c.2757A>G (p.Ala919=)

Gene: RET (ret proto-oncogene; plus strand). Cytogenetic location: 10q11.21.
Variant type: single nucleotide variant.
Coding change: c.2757A>G on transcript NM_020975.6 (MANE Select); coding-DNA position 2757, A replaced by G.
Protein change: p.Ala919=; no amino-acid change (alanine 919 retained).
Molecular consequence: synonymous variant.
Genome position (GRCh38, 1-based): chr10:43,121,972, A>G. VCF-style: chr10-43121972-A-G. GRCh37 (hg19) VCF-style: chr10-43617420-A-G.
Other names: c.2757A>G, p.Ala919= (NM_000323.2, NM_001406743.1, NM_001406744.1 and 4 more transcripts); c.1995A>G, p.Ala665= (NM_001355216.2); c.2628A>G, p.Ala876= (NM_001406761.1, NM_001406762.1, NM_001406764.1); c.2622A>G, p.Ala874= (NM_001406763.1, NM_001406765.1); c.2469A>G, p.Ala823= (NM_001406766.1, NM_001406767.1, NM_001406770.1); c.2493A>G, p.Ala831= (NM_001406768.1); c.2361A>G, p.Ala787= (NM_001406769.1, NM_001406772.1); c.2319A>G, p.Ala773= (NM_001406771.1, NM_001406773.1); and 10 more.
Identifiers: ClinVar variation 1112610 (VCV001112610.13), dbSNP rs1838227942, ClinGen allele CA469029643.

ClinVar aggregate classification (germline): Benign/Likely benign. Review status: criteria provided, multiple submitters, no conflicts (2 of 4 stars). 3 submissions from 3 submitters: Benign (1); Likely benign (2). Last evaluated 2025-02-27.

Conditions:
Multiple endocrine neoplasia type 2A. Also called: MULTIPLE ENDOCRINE NEOPLASIA, TYPE IIA; PTC SYNDROME; SIPPLE SYNDROME; MEN 2A; MEN-2A syndrome; Pheochromocytoma and amyloid producing medullary thyroid carcinoma. Identifiers: Orphanet 247698, Orphanet 653, MedGen C0025268, MeSH D018813, MONDO:0008234, OMIM 171400.
Hereditary cancer-predisposing syndrome. Also called: Tumor predisposition; Hereditary Cancer Syndrome; Neoplastic Syndromes, Hereditary; Hereditary neoplastic syndrome. Identifiers: Orphanet 140162, MedGen C0027672, MeSH D009386, MONDO:0015356.
Multiple endocrine neoplasia, type 2 (MEN2). Identifiers: Orphanet 653, MedGen C4048306, MONDO:0019003. Disease mechanism: gain of function.

Submissions (3):

Myriad Genetics, Inc.
Classification: Benign for Multiple endocrine neoplasia type 2A. Last evaluated: 2025-02-27. Review status: criteria provided, single submitter. Criteria: Myriad Autosomal Dominant, Autosomal Recessive and X-Linked Classification Criteria (2023). Collection method: clinical testing. Allele origin: unknown.
Comment: This variant is considered benign. This variant is a silent/synonymous amino acid change and it is not expected to impact splicing.

Labcorp Genetics (formerly Invitae), Labcorp
Classification: Likely benign for Multiple endocrine neoplasia, type 2. Last evaluated: 2023-10-13. Review status: criteria provided, single submitter. Criteria: Invitae Variant Classification Sherloc (09022015). Collection method: clinical testing. Allele origin: germline.

Ambry Genetics
Classification: Likely benign for Hereditary cancer-predisposing syndrome. Last evaluated: 2021-01-01. Review status: criteria provided, single submitter. Criteria: Ambry Variant Classification Scheme 2023. Collection method: clinical testing. Allele origin: germline.